The following is an entry in ClinVar:

ClinVar aggregate classification (germline): Uncertain significance (1 of 4 stars; one submission).

Conditions:
Multiple endocrine neoplasia, type 2 (MEN2). Identifiers: Orphanet 653, MedGen C4048306, MONDO:0019003. Disease mechanism: gain of function.

Allele frequency attached by ClinVar (database versions not stated): gnomAD 0.00001.
gnomAD v4.1: 1 of 1,613,880 alleles (0.000062%); no homozygotes.

Submission:

Labcorp Genetics (formerly Invitae), Labcorp
Classification: Uncertain significance for Multiple endocrine neoplasia, type 2. Last evaluated: 2017-06-08. Review status: criteria provided, single submitter. Criteria: Invitae Variant Classification Sherloc (09022015). Collection method: clinical testing. Allele origin: germline.
Comment: This sequence change replaces glycine with serine at codon 209 of the RET protein (p.Gly209Ser). The glycine residue is moderately conserved and there is a small physicochemical difference between glycine and serine. This variant also falls at the last nucleotide of exon 3 of the RET coding sequence, which is part of the consensus splice site for this exon. Nucleotide substitutions within the consensus splice site are relatively common causes of aberrant splicing (PMID: 17576681, 9536098). This variant is not present in population databases (ExAC no frequency). This variant has not been reported in the literature in individuals with a RET-related disease. Algorithms developed to predict the effect of missense changes on protein structure and function (SIFT, PolyPhen-2, Align-GVGD) all suggest that this variant is likely to be tolerated, but these predictions have not been confirmed by published functional studies and their clinical significance is uncertain. Algorithms developed to predict the effect of sequence changes on RNA splicing suggest that this variant may disrupt the consensus splice site, but this prediction has not been confirmed by published transcriptional studies. In summary, this variant has uncertain impact on RET function. The available evidence is currently insufficient to determine its role in disease. Therefore, it has been classified as a Variant of Uncertain Significance.

Literature cited by the submitters: PubMed 17576681; PubMed 9536098.

NM_020975.6(RET):c.625G>A (p.Gly209Ser)

Gene: RET (ret proto-oncogene; plus strand). Cytogenetic location: 10q11.21.
Variant type: single nucleotide variant.
Coding change: c.625G>A on transcript NM_020975.6 (MANE Select); coding-DNA position 625, G replaced by A.
Protein change: p.Gly209Ser; replaces glycine 209 with serine.
Molecular consequence: missense variant.
Genome position (GRCh38, 1-based): chr10:43,102,629, G>A. VCF-style: chr10-43102629-G-A. GRCh37 (hg19) VCF-style: chr10-43598077-G-A.
Other names: c.625G>A, p.Gly209Ser (NM_000323.2, NM_001406743.1, NM_001406744.1 and 8 more transcripts); c.496G>A, p.Gly166Ser (NM_001406761.1, NM_001406762.1, NM_001406764.1 and 2 more transcripts); c.625G>A, p.Gly209Arg (NM_001406771.1, NM_001406773.1); c.625G>A, p.Asp209Asn (NM_001406779.1, NM_001406780.1, NM_001406781.1 and 3 more transcripts); c.496G>A, p.Asp166Asn (NM_001406783.1, NM_001406786.1); short protein forms G209S, D166N, G166S, D209N, G209R.
Identifiers: ClinVar variation 477380 (VCV000477380.9), dbSNP rs1407201816, ClinGen allele CA376543713.